The following is an entry in ClinVar:

ClinVar aggregate classification (germline): Pathogenic (1 of 4 stars; one submission).

Conditions:
Imerslund-Grasbeck syndrome. Also called: Imerslund-Gräsbeck syndrome; ENTEROCYTE COBALAMIN MALABSORPTION; ENTEROCYTE INTRINSIC FACTOR RECEPTOR, DEFECT OF; PERNICIOUS ANEMIA, JUVENILE, DUE TO SELECTIVE INTESTINAL MALABSORPTION OF VITAMIN B12, WITH PROTEINURIA; Megaloblastic anemia due to inborn errors of metabolism. Identifiers: Orphanet 35858, MedGen C4551825, MONDO:0009853.

Submission:

Labcorp Genetics (formerly Invitae), Labcorp
Classification: Pathogenic for Imerslund-Grasbeck syndrome. Last evaluated: 2022-11-14. Review status: criteria provided, single submitter. Criteria: Invitae Variant Classification Sherloc (09022015). Collection method: clinical testing. Allele origin: germline.
Comment: This sequence change creates a premature translational stop signal (p.Pro2722Hisfs*39) in the CUBN gene. It is expected to result in an absent or disrupted protein product. Loss-of-function variants in CUBN are known to be pathogenic (PMID: 15024727, 22929189, 25349199, 34979989). This variant is present in population databases (no rsID available, gnomAD 0.0009%). This premature translational stop signal has been observed in individual(s) with CUBN-related conditions (PMID: 31613795). For these reasons, this variant has been classified as Pathogenic.

Literature cited by the submitters: PubMed 15024727; PubMed 22929189; PubMed 25349199; PubMed 34979989; PubMed 31613795.

NM_001081.4(CUBN):c.8165del (p.Pro2722fs)

Gene: CUBN (cubilin; minus strand). Cytogenetic location: 10p13.
Variant type: Deletion.
Coding change: c.8165del on transcript NM_001081.4 (MANE Select); coding-DNA position 8165, one base deleted (C; older notation c.8165delC).
Protein change: p.Pro2722fs; shifts the reading frame from proline 2722.
Molecular consequence: frameshift variant.
Genome position (GRCh38, 1-based): chr10:16,901,357, G deleted on the plus strand (C on the coding strand, the reverse complement: CUBN is on the minus strand); the first of 4 consecutive G bases (chr10:16,901,357-16,901,360); deleting any one gives the same sequence. VCF-style (leftmost placement, unchanged base first): chr10-16901356-TG-T. GRCh37 (hg19) VCF-style: chr10-16943355-TG-T.
Other names: short protein forms P2722fs.
Identifiers: ClinVar variation 2958744 (VCV002958744.3), dbSNP rs1226768858, ClinGen allele CA592142818.